The following is an entry in ClinVar:

NM_025152.3(NUBPL):c.*995T>C

Gene: NUBPL (NUBP iron-sulfur cluster assembly factor, mitochondrial; plus strand). Cytogenetic location: 14q12.
Variant type: single nucleotide variant.
Coding change: c.*995T>C on transcript NM_025152.3 (MANE Select); 995 bases downstream of the stop codon, T replaced by C.
Molecular consequence: 3 prime UTR variant. On other transcripts: non-coding transcript variant (1).
Genome position (GRCh38, 1-based): chr14:31,860,175, T>C. VCF-style: chr14-31860175-T-C. GRCh37 (hg19) VCF-style: chr14-32329381-T-C.
Other names: c.*995T>C (NM_001201573.2, NM_001201574.2).
Identifiers: ClinVar variation 313046 (VCV000313046.6), dbSNP rs10136892, ClinGen allele CA10640084.

ClinVar aggregate classification (germline): Benign. Review status: criteria provided, multiple submitters, no conflicts (2 of 4 stars). 2 submissions from 2 submitters: Benign (2). Last evaluated 2018-01-13.

Conditions:
Mitochondrial complex I deficiency, nuclear type 1. Also called: NADH-COENZYME Q REDUCTASE DEFICIENCY; MITOCHONDRIAL NADH DEHYDROGENASE COMPONENT OF COMPLEX I, DEFICIENCY OF. Identifiers: MedGen C6022305, MONDO:0100224, OMIM 252010.

Allele frequency attached by ClinVar (database versions not stated): gnomAD exomes 0.40385; TOPMed 0.59847; gnomAD 0.59892; 1000 Genomes Project 0.60503; 1000 Genomes Project 30x 0.61227.
gnomAD v4.1: 89,516 of 151,582 alleles (59%); highest among the groups gnomAD compares: African/African-American, 88%; 28,963 homozygotes.

Submissions (2):

Illumina Laboratory Services, Illumina
Classification: Benign for Mitochondrial complex I deficiency, nuclear type 1. Last evaluated: 2018-01-13. Review status: criteria provided, single submitter. Criteria: ICSL Variant Classification Criteria 13 December 2019. Collection method: clinical testing. Allele origin: germline.
Comment: This variant was observed in the ICSL laboratory as part of a predisposition screen in an ostensibly healthy population. It had not been previously curated by ICSL or reported in the Human Gene Mutation Database (HGMD: prior to June 1st, 2018), and was therefore a candidate for classification through an automated scoring system. Utilizing variant allele frequency, disease prevalence and penetrance estimates, and inheritance mode, an automated score was calculated to assess if this variant is too frequent to cause the disease. Based on the score and internal cut-off values, a variant classified as benign is not then subjected to further curation. The score for this variant resulted in a classification of benign for this disease.

Breakthrough Genomics
Classification: Benign. Review status: criteria provided, single submitter. Criteria: ACMG Guidelines, 2015. Collection method: not provided. Allele origin: germline. Inheritance: Autosomal recessive inheritance. Affected: yes.